The following is an entry in ClinVar:

ClinVar aggregate classification (germline): Conflicting classifications of pathogenicity. Review status: criteria provided, conflicting classifications (1 of 4 stars). 4 submissions from 4 submitters: Likely pathogenic (2); Uncertain significance (2). Last evaluated 2025-12-01.

Conditions:
Smith-Lemli-Opitz syndrome (SLOS). Also called: 7-Dehydrocholesterol reductase deficiency; LETHAL ACRODYSGENITAL SYNDROME; POLYDACTYLY, SEX REVERSAL, RENAL HYPOPLASIA, AND UNILOBAR LUNG; RSH SYNDROME; RUTLEDGE LETHAL MULTIPLE CONGENITAL ANOMALY SYNDROME. Identifiers: Orphanet 818, MedGen C0175694, MONDO:0010035, OMIM 270400.

Allele frequency attached by ClinVar (database versions not stated): gnomAD exomes 0.00001; ExAC 0.00002; gnomAD 0.00002; ESP Exome Variant Server 0.00008.
gnomAD v4.1: 97 of 1,610,294 alleles (0.006%); highest among the groups gnomAD compares: Non-Finnish European, 0.0076%; no homozygotes.

Submissions (4):

Natera, Inc.
Classification: Likely pathogenic for Smith-Lemli-Opitz syndrome. Last evaluated: 2025-12-01. Review status: criteria provided, single submitter. Criteria: Natera Variant Classification Schema (03/2026). Collection method: clinical testing. Allele origin: germline.
Comment: The c.321G>C variant in DHCR7 is a missense variant predicted to cause substitution of glutamine to histidine at amino acid 107. This variant is rare in the general population with a frequency below the threshold expected for the associated phenotype(s). This variant has been observed in one or more individuals affected with the associated recessive disease, as either homozygous or compound heterozygous with a second variant (PMID: 10995508, 23918729, 15464432). Functional studies show that this variant may disrupt protein function (PMID: 10995508). Computational prediction algorithms indicate this variant is likely to affect gene or protein function. Given the available evidence, this variant is classified as Likely Pathogenic.

Women's Health and Genetics/Laboratory Corporation of America, LabCorp
Classification: Likely pathogenic for Smith-Lemli-Opitz syndrome. Last evaluated: 2024-09-17. Review status: criteria provided, single submitter. Criteria: LabCorp Variant Classification Summary - May 2015. Collection method: clinical testing. Allele origin: germline.
Comment: Variant summary: DHCR7 c.321G>C (p.Gln107His) results in a non-conservative amino acid change in the encoded protein sequence. Five of five in-silico tools predict a damaging effect of the variant on protein function. This variant also locates in the exonic splice region of exon 4. Several computational tools predict a significant impact on normal splicing: Three predict the variant weakens the canonical 5' donor site. One predict the variant abolishes the canonical 5' splicing donor site. At least one publication reports experimental evidence that this variant affects mRNA splicing by inserting 36 intronic nucleotides and results in insertion of an in-frame 12 amino acids (Krakowiak_2000). The variant allele was found at a frequency of 1.2e-05 in 245468 control chromosomes, predominantly at a frequency of 0.00013 within the African or African-American subpopulation in the gnomAD database. c.321G>C has been reported in the literature in at-least two individuals affected with Smith-Lemli-Opitz Syndrome (Krakowiak_2000, Ginat_2004, Wassif_2005). These data indicate that the variant may be associated with disease. At least one publication reports experimental evidence evaluating an impact on protein function. The most pronounced variant effect results in 1.3% of normal activity in untransformed fibroblasts from the patient carying the current variant and another missense p.C444Y (Ginat_2004). The following publications have been ascertained in the context of this evaluation (PMID: 15464432, 10995508, 15896653). ClinVar contains an entry for this variant (Variation ID: 813426). Based on the evidence outlined above, the variant was classified as likely pathogenic.

Fulgent Genetics
Classification: Uncertain significance for Smith-Lemli-Opitz syndrome. Last evaluated: 2024-03-20. Review status: criteria provided, single submitter. Criteria: ACMG Guidelines, 2015. Collection method: clinical testing. Allele origin: germline.

Labcorp Genetics (formerly Invitae), Labcorp
Classification: Uncertain significance for Smith-Lemli-Opitz syndrome. Last evaluated: 2022-06-10. Review status: criteria provided, single submitter. Criteria: Invitae Variant Classification Sherloc (09022015). Collection method: clinical testing. Allele origin: germline.
Comment: This sequence change affects codon 107 of the DHCR7 mRNA. It is a 'silent' change, meaning that it does not change the encoded amino acid sequence of the DHCR7 protein. RNA analysis indicates that this variant induces altered splicing and likely results in the gain of 12 amino acid residue(s), but is expected to preserve the integrity of the reading-frame. This variant is present in population databases (rs104886040, gnomAD 0.01%). This variant has been observed in individual(s) with Smith-Lemli-Opitz syndrome (PMID: 15896653). ClinVar contains an entry for this variant (Variation ID: 813426). Algorithms developed to predict the effect of missense changes on protein structure and function are either unavailable or do not agree on the potential impact of this missense change (SIFT: "Deleterious"; PolyPhen-2: "Probably Damaging"; Align-GVGD: "Class C0"). Variants that disrupt the consensus splice site are a relatively common cause of aberrant splicing (PMID: 17576681, 9536098). Studies have shown that this variant results in the activation of a cryptic splice site in intron 4 (PMID: 10995508). In summary, the available evidence is currently insufficient to determine the role of this variant in disease. Therefore, it has been classified as a Variant of Uncertain Significance.

Literature cited by the submitters: PubMed 10995508 (cited by 3 submitters); PubMed 23918729 (cited by Natera, Inc.); PubMed 15464432 (cited by Natera, Inc. and Women's Health and Genetics/Laboratory Corporation of America, LabCorp); PubMed 15896653 (cited by Women's Health and Genetics/Laboratory Corporation of America, LabCorp and Labcorp Genetics (formerly Invitae), Labcorp); PubMed 17576681 (cited by Labcorp Genetics (formerly Invitae), Labcorp); PubMed 9536098 (cited by Labcorp Genetics (formerly Invitae), Labcorp).

NM_001360.3(DHCR7):c.321G>C (p.Gln107His)

Gene: DHCR7 (7-dehydrocholesterol reductase; minus strand). Cytogenetic location: 11q13.4.
Variant type: single nucleotide variant.
Coding change: c.321G>C on transcript NM_001360.3 (MANE Select); coding-DNA position 321, G replaced by C.
Protein change: p.Gln107His; replaces glutamine 107 with histidine.
Molecular consequence: missense variant.
Genome position (GRCh38, 1-based): chr11:71,443,993, C>G on the plus strand (G>C on the coding strand, the complement: DHCR7 is on the minus strand). VCF-style: chr11-71443993-C-G. GRCh37 (hg19) VCF-style: chr11-71155039-C-G.
Other names: c.321G>C (NM_001360.2); c.321G>C, p.Gln107His (NM_001163817.2); short protein forms Q107H.
Identifiers: ClinVar variation 813426 (VCV000813426.7), dbSNP rs104886040, ClinGen allele CA6162641.